The following is an entry in ClinVar:

ClinVar aggregate classification (germline): Benign. Review status: criteria provided, multiple submitters, no conflicts (2 of 4 stars). 5 submissions from 5 submitters: Benign (5). Last evaluated 2026-05-11.

Allele frequency attached by ClinVar (database versions not stated): ESP Exome Variant Server 0.01351; 1000 Genomes Project 30x 0.03357; 1000 Genomes Project 0.03534; TOPMed 0.01585; ExAC 0.02545; gnomAD 0.01207.
gnomAD v4.1: 29,319 of 1,612,730 alleles (1.8%); highest among the groups gnomAD compares: South Asian, 7.6%; 533 homozygotes.

Submissions (5):

Women's Health and Genetics/Laboratory Corporation of America, LabCorp
Classification: Benign. Last evaluated: 2026-05-11. Review status: criteria provided, single submitter. Criteria: LabCorp Variant Classification Summary - May 2015. Collection method: clinical testing. Allele origin: germline.

Labcorp Genetics (formerly Invitae), Labcorp
Classification: Benign. Last evaluated: 2026-02-03. Review status: criteria provided, single submitter. Criteria: Invitae Variant Classification Sherloc (09022015). Collection method: clinical testing. Allele origin: germline.

GeneDx
Classification: Benign. Last evaluated: 2016-10-06. Review status: criteria provided, single submitter. Criteria: GeneDx Variant Classification (06012015). Collection method: clinical testing. Allele origin: germline. Affected: yes.
Comment: This variant is considered likely benign or benign based on one or more of the following criteria: it is a conservative change, it occurs at a poorly conserved position in the protein, it is predicted to be benign by multiple in silico algorithms, and/or has population frequency not consistent with disease.

Breakthrough Genomics
Classification: Benign. Review status: criteria provided, single submitter. Criteria: ACMG Guidelines, 2015. Collection method: not provided. Allele origin: germline. Inheritance: Autosomal recessive inheritance. Affected: yes.

PreventionGenetics, part of Exact Sciences
Classification: Benign. Review status: criteria provided, single submitter. Criteria: ACMG Guidelines, 2015. Collection method: clinical testing. Allele origin: germline.

NM_001852.4(COL9A2):c.1548+17G>C

Gene: COL9A2 (collagen type IX alpha 2 chain; minus strand). Cytogenetic location: 1p34.2.
Variant type: single nucleotide variant.
Coding change: c.1548+17G>C on transcript NM_001852.4 (MANE Select); 17 bases into the intron after coding-DNA position 1548, G replaced by C.
Molecular consequence: intron variant.
Genome position (GRCh38, 1-based): chr1:40,303,513, C>G on the plus strand (G>C on the coding strand, the complement: COL9A2 is on the minus strand). VCF-style: chr1-40303513-C-G. GRCh37 (hg19) VCF-style: chr1-40769185-C-G.
Identifiers: ClinVar variation 258375 (VCV000258375.11), dbSNP rs74366749, ClinGen allele CA791414.